The following is an entry in ClinVar:

NM_001128.6(AP1G1):c.515dup (p.Met172fs)

Gene: AP1G1 (adaptor related protein complex 1 subunit gamma 1; minus strand). Cytogenetic location: 16q22.2.
Variant type: Duplication.
Coding change: c.515dup on transcript NM_001128.6 (MANE Select); coding-DNA position 515, one base duplicated (T; older notation c.515dupT).
Protein change: p.Met172fs; shifts the reading frame from methionine 172.
Molecular consequence: frameshift variant.
Genome position (GRCh38, 1-based): chr16:71,771,206, A duplicated on the plus strand (T on the coding strand, the reverse complement: AP1G1 is on the minus strand). VCF-style (leftmost placement, unchanged base first): chr16-71771205-C-CA. GRCh37 (hg19) VCF-style: chr16-71805108-C-CA.
Other names: c.515dup, p.Met172fs (NM_001030007.2); short protein forms M172fs.
Identifiers: ClinVar variation 3384011 (VCV003384011.1).
Genomic context (GRCh38, chr16:71,771,205, plus strand): 5'-AATTACATTACCATGGTTCTTCTCATTCAATAAATTTTTTGTTGCTGGTAAAAACATCTC[C>CA]ATAAGTTCAGGAACTTTCCTGATGACATGAACAGCACACAGTGCTGCCTATGAAAAAAAA-3'

ClinVar aggregate classification (germline): Pathogenic (1 of 4 stars; one submission).

Conditions:
Usmani-Riazuddin syndrome, autosomal recessive (USRISR). Identifiers: MedGen C5561994, MONDO:0859196, OMIM 619548.

Submission:

Dubai Health Genomic Medicine Center, Dubai Health
Classification: Pathogenic for Usmani-Riazuddin syndrome, autosomal recessive. Last evaluated: 2024-10-04. Review status: criteria provided, single submitter. Criteria: ACMG Guidelines, 2015. Collection method: research. Allele origin: germline. Affected: yes.
Comment: PVS1,PS2,PM2